The following is an entry in ClinVar:

ClinVar aggregate classification (germline): Uncertain significance (1 of 4 stars; one submission).

Conditions:
Early-infantile DEE. Also called: Early infantile epileptic encephalopathy; Early infantile epileptic encephalopathy with suppression bursts; Ohtahara syndrome. Identifiers: Orphanet 1934, MedGen C0393706, MONDO:0800491.

Allele frequency attached by ClinVar (database versions not stated): gnomAD exomes below 0.00001.
gnomAD v4.1: 6 of 1,603,462 alleles (0.00037%); highest among the groups gnomAD compares: Non-Finnish European, 0.00051%; no homozygotes.

Submission:

Labcorp Genetics (formerly Invitae), Labcorp
Classification: Uncertain significance for Early-infantile DEE. Last evaluated: 2023-07-12. Review status: criteria provided, single submitter. Criteria: Invitae Variant Classification Sherloc (09022015). Collection method: clinical testing. Allele origin: germline.
Comment: This sequence change replaces valine, which is neutral and non-polar, with isoleucine, which is neutral and non-polar, at codon 133 of the SCN8A protein (p.Val133Ile). This variant is not present in population databases (gnomAD no frequency). This variant has not been reported in the literature in individuals affected with SCN8A-related conditions. An algorithm developed to predict the effect of missense changes on protein structure and function (PolyPhen-2) suggests that this variant is likely to be tolerated. Algorithms developed to predict the effect of sequence changes on RNA splicing suggest that this variant may disrupt the consensus splice site. In summary, the available evidence is currently insufficient to determine the role of this variant in disease. Therefore, it has been classified as a Variant of Uncertain Significance.

NM_001330260.2(SCN8A):c.397G>A (p.Val133Ile)

Gene: SCN8A (sodium voltage-gated channel alpha subunit 8; plus strand). Cytogenetic location: 12q13.13.
Variant type: single nucleotide variant.
Coding change: c.397G>A on transcript NM_001330260.2 (MANE Select); coding-DNA position 397, G replaced by A.
Protein change: p.Val133Ile; replaces valine 133 with isoleucine.
Molecular consequence: missense variant.
Genome position (GRCh38, 1-based): chr12:51,686,369, G>A. VCF-style: chr12-51686369-G-A. GRCh37 (hg19) VCF-style: chr12-52080153-G-A.
Other names: c.397G>A, p.Val133Ile (NM_001177984.3, NM_001369788.1, NM_014191.4); short protein forms V133I.
Identifiers: ClinVar variation 2718459 (VCV002718459.3), dbSNP rs2540154739, ClinGen allele CA385221531.